The following is an entry in ClinVar:

NM_001103146.3(GIGYF2):c.3630A>G (p.Pro1210=)

Gene: GIGYF2 (GRB10 interacting GYF protein 2; plus strand). Cytogenetic location: 2q37.1.
Variant type: single nucleotide variant.
Coding change: c.3630A>G on transcript NM_001103146.3 (MANE Select); coding-DNA position 3630, A replaced by G.
Protein change: p.Pro1210=; no amino-acid change (proline 1210 retained).
Molecular consequence: synonymous variant. On other transcripts: non-coding transcript variant (1).
Genome position (GRCh38, 1-based): chr2:232,847,517, A>G. VCF-style: chr2-232847517-A-G. GRCh37 (hg19) VCF-style: chr2-233712227-A-G.
Other names: c.3693A>G, p.Pro1231= (NM_001103147.2); c.3612A>G, p.Pro1204= (NM_001103148.2); c.3630A>G, p.Pro1210= (NM_015575.4).
Identifiers: ClinVar variation 3039772 (VCV003039772.2), dbSNP rs7563724, ClinGen allele CA2170926.

ClinVar aggregate classification (germline): Benign (0 of 4 stars; one submission).

Conditions:
GIGYF2-related disorder. Also called: GIGYF2-related condition.

Allele frequency attached by ClinVar (database versions not stated): gnomAD 0.00060; ExAC 0.03405; 1000 Genomes Project 0.09824.

Submission:

PreventionGenetics, part of Exact Sciences
Classification: Benign for GIGYF2-related condition. Last evaluated: 2019-07-17. Review status: no assertion criteria provided. Collection method: clinical testing. Allele origin: germline.
Comment: This variant is classified as benign based on ACMG/AMP sequence variant interpretation guidelines (Richards et al. 2015 PMID: 25741868, with internal and published modifications).